The following is an entry in ClinVar:

ClinVar aggregate classification (germline): Uncertain significance (1 of 4 stars; one submission).

Conditions:
PRPH2-related disorder. Also called: PRPH2-related condition; PRPH2-related disorders. Identifiers: MedGen CN239395.

Allele frequency attached by ClinVar (database versions not stated): gnomAD exomes below 0.00001 and 0.00003; ExAC 0.00004; gnomAD 0.00008 and 0.00009; TOPMed 0.00008; 1000 Genomes Project 30x 0.00016; 1000 Genomes Project 0.00020; ESP Exome Variant Server 0.00023.
gnomAD v4.1: 19 of 1,614,134 alleles (0.0012%); highest among the groups gnomAD compares: African/African-American, 0.02%; no homozygotes.

Submission:

Labcorp Genetics (formerly Invitae), Labcorp
Classification: Uncertain significance for PRPH2-related disorder. Last evaluated: 2025-11-28. Review status: criteria provided, single submitter. Criteria: Invitae Variant Classification Sherloc (09022015). Collection method: clinical testing. Allele origin: germline.
Comment: This sequence change replaces isoleucine, which is neutral and non-polar, with threonine, which is neutral and polar, at codon 281 of the PRPH2 protein (p.Ile281Thr). This variant is present in population databases (rs146659849, gnomAD 0.02%). This missense change has been observed in individual(s) with clinical features of PRPH2-related conditions (internal data). ClinVar contains an entry for this variant (Variation ID: 846596). Invitae Evidence Modeling of protein sequence and biophysical properties (such as structural, functional, and spatial information, amino acid conservation, physicochemical variation, residue mobility, and thermodynamic stability) indicates that this missense variant is not expected to disrupt PRPH2 protein function with a negative predictive value of 95%. In summary, the available evidence is currently insufficient to determine the role of this variant in disease. Therefore, it has been classified as a Variant of Uncertain Significance.

NM_000322.5(PRPH2):c.842T>C (p.Ile281Thr)

Gene: PRPH2 (peripherin 2; minus strand). Cytogenetic location: 6p21.1.
Variant type: single nucleotide variant.
Coding change: c.842T>C on transcript NM_000322.5 (MANE Select); coding-DNA position 842, T replaced by C.
Protein change: p.Ile281Thr; replaces isoleucine 281 with threonine.
Molecular consequence: missense variant.
Genome position (GRCh38, 1-based): chr6:42,698,494, A>G on the plus strand (T>C on the coding strand, the complement: PRPH2 is on the minus strand). VCF-style: chr6-42698494-A-G. GRCh37 (hg19) VCF-style: chr6-42666232-A-G.
Other names: short protein forms I281T.
Identifiers: ClinVar variation 846596 (VCV000846596.10), dbSNP rs146659849, ClinGen allele CA3808501.